The following is an entry in ClinVar:

ClinVar aggregate classification (germline): Conflicting classifications of pathogenicity. Review status: criteria provided, conflicting classifications (1 of 4 stars). 5 submissions from 5 submitters: Likely pathogenic (2); Uncertain significance (3). Last evaluated 2026-03-05.

Conditions:
DDX41-related hematologic malignancy predisposition syndrome. Also called: DDX41-Associated Familial Myelodysplastic Syndrome and Acute Myeloid Leukemia; Myeloproliferative/lymphoproliferative neoplasms, familial (multiple types), susceptibility to. Identifiers: Orphanet 488647, MedGen C4225174, MONDO:0014809, OMIM 616871.
Inborn genetic diseases. Identifiers: MedGen C0950123, MeSH D030342.

gnomAD v4.1: 7 of 1,614,142 alleles (0.00043%); highest among the groups gnomAD compares: Non-Finnish European, 0.00059%; no homozygotes.

Submissions (5):

Ambry Genetics
Classification: Uncertain significance for Inborn genetic diseases. Last evaluated: 2026-03-05. Review status: criteria provided, single submitter. Criteria: Ambry Variant Classification Scheme 2023. Collection method: clinical testing. Allele origin: germline.
Comment: The p.R369G variant (also known as c.1105C>G), located in coding exon 11 of the DDX41 gene, results from a C to G substitution at nucleotide position 1105. The arginine at codon 369 is replaced by glycine, an amino acid with dissimilar properties. This amino acid position is highly conserved in available vertebrate species. In addition, the in silico prediction for this alteration is inconclusive. Based on the available evidence, the clinical significance of this variant remains unclear.

GeneDx
Classification: Likely pathogenic. Last evaluated: 2025-05-08. Review status: criteria provided, single submitter. Criteria: GeneDx Variant Classification Process June 2021. Collection method: clinical testing. Allele origin: germline. Affected: yes.
Comment: In silico analysis supports that this missense variant has a deleterious effect on protein structure/function; Not observed at significant frequency in large population cohorts (gnomAD); This variant is associated with the following publications: (PMID: 30963592, 35671390, 39945023, 37506341, 35443031, 33585199, 35246110, 37904876, 40040251, 37665752, 27721487)

Molecular Pathology, Peter Maccallum Cancer Centre
Classification: Likely pathogenic for DDX41-related hematologic malignancy predisposition syndrome. Last evaluated: 2025-02-06. Review status: criteria provided, single submitter. Criteria: ACMG Guidelines, 2015. Collection method: clinical testing. Allele origin: germline.

Baylor Genetics
Classification: Uncertain significance for DDX41-related hematologic malignancy predisposition syndrome. Last evaluated: 2023-05-06. Review status: criteria provided, single submitter. Criteria: ACMG Guidelines, 2015. Collection method: clinical testing. Allele origin: unknown.

Genetic Services Laboratory, University of Chicago
Classification: Uncertain significance. Last evaluated: 2015-09-28. Review status: criteria provided, single submitter. Criteria: ACMG Guidelines, 2015. Collection method: clinical testing. Allele origin: germline. Affected: no.

NM_016222.4(DDX41):c.1105C>G (p.Arg369Gly)

Gene: DDX41 (DEAD-box helicase 41; minus strand). Cytogenetic location: 5q35.3.
Variant type: single nucleotide variant.
Coding change: c.1105C>G on transcript NM_016222.4 (MANE Select); coding-DNA position 1105, C replaced by G.
Protein change: p.Arg369Gly; replaces arginine 369 with glycine.
Molecular consequence: missense variant.
Genome position (GRCh38, 1-based): chr5:177,513,478, G>C on the plus strand (C>G on the coding strand, the complement: DDX41 is on the minus strand). VCF-style: chr5-177513478-G-C. GRCh37 (hg19) VCF-style: chr5-176940479-G-C.
Other names: c.727C>G, p.Arg243Gly (NM_001321732.2, NM_001321830.2); c.1105C>G, p.Arg369Gly (LRG_1386t1); short protein forms R369G, R243G.
Identifiers: ClinVar variation 434919 (VCV000434919.12), dbSNP rs747672157, ClinGen allele CA3584878.